The following is an entry in ClinVar:

NM_000350.3(ABCA4):c.814T>A (p.Ser272Thr)

Gene: ABCA4 (ATP binding cassette subfamily A member 4; minus strand). Cytogenetic location: 1p22.1.
Variant type: single nucleotide variant.
Coding change: c.814T>A on transcript NM_000350.3 (MANE Select); coding-DNA position 814, T replaced by A.
Protein change: p.Ser272Thr; replaces serine 272 with threonine.
Molecular consequence: missense variant.
Genome position (GRCh38, 1-based): chr1:94,083,396, A>T on the plus strand (T>A on the coding strand, the complement: ABCA4 is on the minus strand). VCF-style: chr1-94083396-A-T. GRCh37 (hg19) VCF-style: chr1-94548952-A-T.
Other names: c.814T>A, p.Ser272Thr (NM_001425324.1); short protein forms S272T.
Identifiers: ClinVar variation 1714787 (VCV001714787.5), dbSNP rs2523914382, ClinGen allele CA341285079.
Genomic context (GRCh38, chr1:94,083,396, plus strand): 5'-CCATCAGGCTACTCACCTCTTGAATTCTTGGTGACATATCAGATAATATTCCTCCCCAAG[A>T]TCTCAGATTGATACCTTGAGAACGGCTGTCTAGGAGTGTGGGAAGCTGTAATTGACAGTA-3'
Protein context (NP_000341.2, residues 262-282): DSRSQGINLR[Ser272Thr]WGGILSDMSP

ClinVar aggregate classification (germline): Uncertain significance (1 of 4 stars; one submission).

Submission:

Labcorp Genetics (formerly Invitae), Labcorp
Classification: Uncertain significance. Last evaluated: 2025-04-16. Review status: criteria provided, single submitter. Criteria: Invitae Variant Classification Sherloc (09022015). Collection method: clinical testing. Allele origin: germline.
Comment: This sequence change replaces serine, which is neutral and polar, with threonine, which is neutral and polar, at codon 272 of the ABCA4 protein (p.Ser272Thr). This variant is not present in population databases (gnomAD no frequency). This variant has not been reported in the literature in individuals affected with ABCA4-related conditions. ClinVar contains an entry for this variant (Variation ID: 1714787). Invitae Evidence Modeling of protein sequence and biophysical properties (such as structural, functional, and spatial information, amino acid conservation, physicochemical variation, residue mobility, and thermodynamic stability) indicates that this missense variant is not expected to disrupt ABCA4 protein function with a negative predictive value of 95%. In summary, the available evidence is currently insufficient to determine the role of this variant in disease. Therefore, it has been classified as a Variant of Uncertain Significance.